The following is an entry in ClinVar:

NM_018965.4(TREM2):c.*148C>T

Gene: TREM2 (triggering receptor expressed on myeloid cells 2; minus strand). Cytogenetic location: 6p21.1.
Variant type: single nucleotide variant.
Coding change: c.*148C>T on transcript NM_018965.4 (MANE Select); 148 bases downstream of the stop codon, C replaced by T.
Molecular consequence: 3 prime UTR variant. On other transcripts: missense variant (1).
Genome position (GRCh38, 1-based): chr6:41,158,616, G>A on the plus strand (C>T on the coding strand, the complement: TREM2 is on the minus strand). VCF-style: chr6-41158616-G-A. GRCh37 (hg19) VCF-style: chr6-41126354-G-A.
Other names: c.647C>T, p.Ala216Val (NM_001271821.2); short protein forms A216V.
Identifiers: ClinVar variation 907355 (VCV000907355.10), dbSNP rs761884997, ClinGen allele CA3798770.

ClinVar aggregate classification (germline): Uncertain significance. Review status: criteria provided, multiple submitters, no conflicts (2 of 4 stars). 2 submissions from 2 submitters: Uncertain significance (2). Last evaluated 2025-11-27.

Conditions:
Polycystic lipomembranous osteodysplasia with sclerosing leukoencephalopathy 2. Also called: TREM2-Related Polycystic Lipomembranous Osteodysplasia with Sclerosing Leukoencephalopathy. Identifiers: MedGen C4748657, MONDO:0020750, OMIM 618193.

Allele frequency attached by ClinVar (database versions not stated): gnomAD exomes 0.00005 and 0.00004; ExAC 0.00010; TOPMed 0.00004; gnomAD 0.00005.
gnomAD v4.1: 74 of 1,574,602 alleles (0.0047%); highest among the groups gnomAD compares: Middle Eastern, 0.017%; 1 homozygote.

Submissions (2):

Labcorp Genetics (formerly Invitae), Labcorp
Classification: Uncertain significance. Last evaluated: 2025-11-27. Review status: criteria provided, single submitter. Criteria: Invitae Variant Classification Sherloc (09022015). Collection method: clinical testing. Allele origin: germline.
Comment: The TREM2 gene has multiple clinically relevant transcripts. This variant occurs in alternate transcript NM_001271821.1, and corresponds to NM_018965.3:c.*148C>T in the primary transcript. This sequence change replaces alanine, which is neutral and non-polar, with valine, which is neutral and non-polar, at codon 216 of the TREM2 protein (p.Ala216Val). This variant is present in population databases (rs761884997, gnomAD 0.009%). This variant has not been reported in the literature in individuals affected with TREM2-related conditions. ClinVar contains an entry for this variant (Variation ID: 907355). Experimental studies and prediction algorithms are not available or were not evaluated, and the functional significance of this variant is currently unknown. Algorithms developed to predict the effect of sequence changes on RNA splicing suggest that this variant may create or strengthen a splice site. In summary, the available evidence is currently insufficient to determine the role of this variant in disease. Therefore, it has been classified as a Variant of Uncertain Significance.

Illumina Laboratory Services, Illumina
Classification: Uncertain significance for Polycystic lipomembranous osteodysplasia with sclerosing leukoencephalopathy 2. Last evaluated: 2018-01-13. Review status: criteria provided, single submitter. Criteria: ICSL Variant Classification Criteria 13 December 2019. Collection method: clinical testing. Allele origin: germline.